The following is an entry in ClinVar:

NM_000256.3(MYBPC3):c.2870C>G (p.Thr957Ser)

Gene: MYBPC3 (myosin binding protein C3; minus strand). Cytogenetic location: 11p11.2.
Variant type: single nucleotide variant.
Coding change: c.2870C>G on transcript NM_000256.3 (MANE Select); coding-DNA position 2870, C replaced by G.
Protein change: p.Thr957Ser; replaces threonine 957 with serine.
Molecular consequence: missense variant.
Genome position (GRCh38, 1-based): chr11:47,335,077, G>C on the plus strand (C>G on the coding strand, the complement: MYBPC3 is on the minus strand). VCF-style: chr11-47335077-G-C. GRCh37 (hg19) VCF-style: chr11-47356628-G-C.
Other names: p.T957S:ACC>AGC; short protein forms T957S.
Identifiers: ClinVar variation 36607 (VCV000036607.117), dbSNP rs193922380, ClinGen allele CA013082.
Genomic context (GRCh38, chr11:47,335,077, plus strand): 5'-TGTGACTGCACAAAGGGGCACTCACGCAGGATCTCCTGCACTGTCACCGGCTCCGTGGTG[G>C]TAACAGGGGCTCCAGGCCCTGCCATATTGTGTGCCCGCACTCGGAAAAGCAGCCGGGCCC-3'
Protein context (NP_000247.2, residues 947-967): HNMAGPGAPV[Thr957Ser]TTEPVTVQEI

ClinVar aggregate classification (germline): Conflicting classifications of pathogenicity. Review status: criteria provided, conflicting classifications (1 of 4 stars). 20 submissions from 19 submitters: Uncertain significance (6); Benign (1); Likely benign (12). 1 of the submissions does not count toward it. Last evaluated 2026-08-28.

Conditions:
MYBPC3-related disorder. Also called: MYBPC3-related disorders; MYBPC3-related condition; MYBPC3-related disease.
Left ventricular noncompaction 10 (LVNC10). Identifiers: Orphanet 154, Orphanet 54260, MedGen C3715165, MONDO:0014163, OMIM 615396.
Cardiovascular phenotype. Identifiers: MedGen CN230736.
Cardiomyopathy (CMYO). Also called: Cardiomyopathies. Identifiers: Orphanet 167848, MedGen C0878544, MONDO:0004994, HP:0001638. Inheritance: Various modes of inheritance.
Primary familial hypertrophic cardiomyopathy (HCM). Identifiers: Orphanet 99739, MedGen C0949658, MeSH D024741, MONDO:0024573. Inheritance: Various modes of inheritance.
Hypertrophic cardiomyopathy 4. Also called: Familial hypertrophic cardiomyopathy 4. Identifiers: MedGen C1861862, MONDO:0007268, OMIM 115197.
Primary dilated cardiomyopathy (DCM). Also called: Dilated Cardiomyopathy. Identifiers: Orphanet 217604, MedGen C0007193, MeSH D002311, MONDO:0005021, HP:0001644. Inheritance: Various modes of inheritance.
Hypertrophic cardiomyopathy. Also called: HYPERTROPHIC MYOCARDIOPATHY. Identifiers: Orphanet 217569, MedGen C0007194, MeSH D002312, MONDO:0005045, HP:0001639.

Allele frequency attached by ClinVar (database versions not stated): ESP Exome Variant Server 0.00090; gnomAD exomes 0.00170 and 0.00101; 1000 Genomes Project 0.00040; gnomAD 0.00086 and 0.00087; TOPMed 0.00087; ExAC 0.00109; 1000 Genomes Project 30x 0.00047.

Submissions 1 to 17 of 20:

PreventionGenetics, part of Exact Sciences
Classification: Likely benign for MYBPC3-related condition. Last evaluated: 2026-08-28. Review status: criteria provided, single submitter. Criteria: ACMG Guidelines, 2015. Collection method: clinical testing. Allele origin: germline.
Comment: This variant is classified as likely benign based on ACMG/AMP sequence variant interpretation guidelines (Richards et al. 2015 PMID: 25741868, with internal and published modifications).

CeGaT Center for Human Genetics Tuebingen
Classification: Likely benign. Last evaluated: 2026-08-01. Review status: criteria provided, single submitter. Criteria: CeGaT Center For Human Genetics Tuebingen Variant Classification Criteria Version 2. Collection method: clinical testing. Allele origin: germline. Affected: yes. Observed: 7 variant alleles.
Comment: MYBPC3: BP4, BS2

Labcorp Genetics (formerly Invitae), Labcorp
Classification: Likely benign for Hypertrophic cardiomyopathy. Last evaluated: 2026-02-03. Review status: criteria provided, single submitter. Criteria: Invitae Variant Classification Sherloc (09022015). Collection method: clinical testing. Allele origin: germline.

Women's Health and Genetics/Laboratory Corporation of America, LabCorp
Classification: Likely benign. Last evaluated: 2025-03-10. Review status: criteria provided, single submitter. Criteria: LabCorp Variant Classification Summary - May 2015. Collection method: clinical testing. Allele origin: germline.
Comment: Variant summary: MYBPC3 c.2870C>G (p.Thr957Ser) results in a conservative amino acid change located in the Fibronectin type III domain (IPR003961) of the encoded protein sequence. Four of four in-silico tools predict a benign effect of the variant on protein function. The variant allele was found at a frequency of 0.001 in 235526 control chromosomes, predominantly at a frequency of 0.0017 within the Non-Finnish European subpopulation in the gnomAD database. The observed variant frequency within Non-Finnish European control individuals in the gnomAD database is approximately 2 fold of the estimated maximal expected allele frequency for a pathogenic variant in MYBPC3 causing Cardiomyopathy phenotype (0.001). c.2870C>G has been reported in the literature in individuals affected with Cardiomyopathy without strong evidence for causality (e.g. Ehlermann_2008, Rodriguez-Garcia_2010, Gruner_2011, Olivotto_2011, Merlo_2013, Pugh_2014, Earle_2015, Haas_2015, Medeiros-Domingo_2017, Mazzarotto_2019, Khan_2022). The variant did not segregate with disease in two cardiomyopathy families (internal testing). At least one co-occurrence with a pathogenic variant has been reported in the literature (TTN [NM_001256850.1] c.102712C>T, p.Gln34238X; Khan_2022), providing supporting evidence for a benign role. To our knowledge, no experimental evidence demonstrating an impact on protein function has been reported. The following publications have been ascertained in the context of this evaluation (PMID: 25637381, 23299917, 22958901, 24055113, 26332198, 18957093, 21511876, 25163546, 25569433, 27576561, 34935411, 29875424, 27194543, 24119082, 27435932, 21835320, 22267749, 24503780, 20433692, 29121657). ClinVar contains an entry for this variant (Variation ID: 36607). Based on the evidence outlined above, the variant was classified as likely benign.

Blueprint Genetics
Classification: Likely benign. Last evaluated: 2024-11-18. Review status: criteria provided, single submitter. Criteria: ACMG Guidelines, 2015. Collection method: clinical testing. Allele origin: germline.

ARUP Laboratories, Molecular Genetics and Genomics, ARUP Laboratories
Classification: Likely benign. Last evaluated: 2023-11-22. Review status: criteria provided, single submitter. Criteria: ARUP Molecular Germline Variant Investigation Process 2024. Collection method: clinical testing. Allele origin: germline.

Ambry Genetics
Classification: Likely benign for Cardiovascular phenotype. Last evaluated: 2023-05-25. Review status: criteria provided, single submitter. Criteria: Ambry Variant Classification Scheme 2023. Collection method: clinical testing. Allele origin: germline.

GeneDx
Classification: Likely benign. Last evaluated: 2020-10-08. Review status: criteria provided, single submitter. Criteria: GeneDx Variant Classification Process June 2021. Collection method: clinical testing. Allele origin: germline. Affected: yes.
Comment: In silico analysis, which includes protein predictors and evolutionary conservation, supports that this variant does not alter protein structure/function; This variant is associated with the following publications: (PMID: 20433692, 21511876, 20474083, 29710196, 22958901, 24119082, 23861362, 24055113, 23299917, 25637381, 25569433, 27194543, 29121657, 24503780, 28679633, 18957093, 22267749, 21835320, 33232181)

Illumina Laboratory Services, Illumina
Classification: Uncertain significance for Hypertrophic cardiomyopathy 4. Last evaluated: 2018-12-06. Review status: criteria provided, single submitter. Criteria: ICSL Variant Classification Criteria 13 December 2019. Collection method: clinical testing. Allele origin: germline.
Comment: This variant was observed as part of a predisposition screen in an ostensibly healthy population. A literature search was performed for the gene, cDNA change, and amino acid change (where applicable). Publications were found based on this search. However, the evidence from the literature, in combination with allele frequency data from public databases where available, was not sufficient to rule this variant in or out of causing disease. Therefore, this variant is classified as a variant of unknown significance.

Color Diagnostics, LLC DBA Color Health
Classification: Likely benign for Cardiomyopathy. Last evaluated: 2018-05-30. Review status: criteria provided, single submitter. Criteria: ACMG Guidelines, 2015. Collection method: clinical testing. Allele origin: germline.

CHEO Genetics Diagnostic Laboratory, Children's Hospital of Eastern Ontario
Classification: Benign for Cardiomyopathy. Last evaluated: 2017-11-02. Review status: criteria provided, single submitter. Criteria: ACMG Guidelines, 2015. Collection method: clinical testing. Allele origin: germline.

Laboratory for Molecular Medicine, Mass General Brigham Personalized Medicine
Classification: Likely benign. Last evaluated: 2017-08-06. Review status: criteria provided, single submitter. Criteria: LMM Criteria. Collection method: clinical testing. Allele origin: germline. Observed: 17 variant alleles.
Comment: The p.Thr957Ser variant in MYBPC3 has been reported in individuals with HCM (Ehl ermann 2008, Rodriguez-Garcia 2010, Olivotto 2011, Gruner 2011) and DCM (Merlo 2 013) but has also identified in 0.2% (187/120848) of European chromosomes by the gnomAD (dbSNP rs193922380). Threonine (Thr) at posit ion 957 is not conserved in evolution and 2 species (Chinese tree shrew and Mexi can tetra) carry a serine (Ser) at this position, supporting that a change at th is position may be tolerated. In summary, while the clinical significance of the p.Thr957Ser variant is not conclusive, these data suggest that it is likely ben ign.

Molecular Diagnostic Laboratory for Inherited Cardiovascular Disease, Montreal Heart Institute
Classification: Likely benign. Last evaluated: 2017-06-12. Review status: criteria provided, single submitter. Criteria: ACMG Guidelines, 2015. Collection method: clinical testing. Allele origin: germline. Affected: yes.

Knight Diagnostic Laboratories, Oregon Health and Sciences University
Classification: Uncertain significance for Left ventricular noncompaction 10. Last evaluated: 2015-08-13. Review status: criteria provided, single submitter. Criteria: ACMG Guidelines, 2015. Collection method: clinical testing. Allele origin: germline. Affected: no. Study: CSER-NextGen.

Knight Diagnostic Laboratories, Oregon Health and Sciences University
Classification: Uncertain significance for Hypertrophic cardiomyopathy 4. Last evaluated: 2015-08-13. Review status: criteria provided, single submitter. Criteria: ACMG Guidelines, 2015. Collection method: clinical testing. Allele origin: germline. Affected: no. Study: CSER-NextGen.

Stanford Center for Inherited Cardiovascular Disease, Stanford University
Classification: Uncertain significance. Last evaluated: 2015-06-19. Review status: criteria provided, single submitter. Criteria: ACMG Guidelines, 2015. Collection method: provider interpretation. Allele origin: germline.

Eurofins Ntd Llc (ga)
Classification: Uncertain significance. Last evaluated: 2015-06-15. Review status: criteria provided, single submitter. Criteria: EGL Classification Definitions 2015. Collection method: clinical testing. Allele origin: germline. Observed: 1 variant allele, 1 heterozygote.